The following is an entry in ClinVar:

NM_000287.4(PEX6):c.937C>T (p.Pro313Ser)

Gene: PEX6 (peroxisomal biogenesis factor 6; minus strand). Cytogenetic location: 6p21.1.
Variant type: single nucleotide variant.
Coding change: c.937C>T on transcript NM_000287.4 (MANE Select); coding-DNA position 937, C replaced by T.
Protein change: p.Pro313Ser; replaces proline 313 with serine.
Molecular consequence: missense variant. On other transcripts: non-coding transcript variant (1).
Genome position (GRCh38, 1-based): chr6:42,974,984, G>A on the plus strand (C>T on the coding strand, the complement: PEX6 is on the minus strand). VCF-style: chr6-42974984-G-A. GRCh37 (hg19) VCF-style: chr6-42942722-G-A.
Other names: c.673C>T, p.Pro225Ser (NM_001316313.2); c.937C>T (NM_000287.3); short protein forms P313S, P225S.
Identifiers: ClinVar variation 2195712 (VCV002195712.2), dbSNP rs528513230, ClinGen allele CA3811507.

ClinVar aggregate classification (germline): Uncertain significance. Review status: criteria provided, multiple submitters, no conflicts (2 of 4 stars). 2 submissions from 2 submitters: Uncertain significance (2). Last evaluated 2024-08-28.

Conditions:
Inborn genetic diseases. Identifiers: MedGen C0950123, MeSH D030342.
Peroxisome biogenesis disorder. Identifiers: Orphanet 79189, MedGen C1832200, MONDO:0019234. Disease mechanism: loss of function.

Allele frequency attached by ClinVar (database versions not stated): gnomAD exomes below 0.00001; ExAC 0.00002; gnomAD 0.00003; TOPMed 0.00003; 1000 Genomes Project 30x 0.00016; 1000 Genomes Project 0.00020.

Submissions (2):

Ambry Genetics
Classification: Uncertain significance for Inborn genetic diseases. Last evaluated: 2024-08-28. Review status: criteria provided, single submitter. Criteria: Ambry Variant Classification Scheme 2023. Collection method: clinical testing. Allele origin: germline.

Labcorp Genetics (formerly Invitae), Labcorp
Classification: Uncertain significance for Peroxisome biogenesis disorder. Last evaluated: 2022-09-01. Review status: criteria provided, single submitter. Criteria: Invitae Variant Classification Sherloc (09022015). Collection method: clinical testing. Allele origin: germline.
Comment: This sequence change replaces proline, which is neutral and non-polar, with serine, which is neutral and polar, at codon 313 of the PEX6 protein (p.Pro313Ser). This variant is present in population databases (rs528513230, gnomAD 0.02%). This variant has not been reported in the literature in individuals affected with PEX6-related conditions. Algorithms developed to predict the effect of missense changes on protein structure and function output the following: SIFT: "Tolerated"; PolyPhen-2: "Benign"; Align-GVGD: "Class C0". The serine amino acid residue is found in multiple mammalian species, which suggests that this missense change does not adversely affect protein function. In summary, the available evidence is currently insufficient to determine the role of this variant in disease. Therefore, it has been classified as a Variant of Uncertain Significance.